The following is an entry in ClinVar:

NM_001909.5(CTSD):c.692_694del (p.Phe231del)

Gene: CTSD (cathepsin D; minus strand). Cytogenetic location: 11p15.5.
Variant type: Deletion.
Coding change: c.692_694del on transcript NM_001909.5 (MANE Select); coding-DNA positions 692 to 694, 3 bases deleted (TCT; older notation c.692_694delTCT).
Protein change: p.Phe231del; deletes phenylalanine 231.
Molecular consequence: inframe deletion.
Genome position (GRCh38, 1-based): chr11:1,757,334-1,757,336, AGA deleted on the plus strand (TCT on the coding strand, the reverse complement: CTSD is on the minus strand); deleting any 3 consecutive bases within chr11:1,757,334-1,757,338 gives the same sequence; the c. name uses the placement nearest the transcript's 3' end. VCF-style (leftmost placement, unchanged base first): chr11-1757333-TAGA-T. GRCh37 (hg19) VCF-style: chr11-1778563-TAGA-T.
Other names: short protein forms F231del.
Identifiers: ClinVar variation 1518691 (VCV001518691.4), dbSNP rs1478615059, ClinGen allele CA597065928.
Genomic context (GRCh38, chr11:1,757,333, plus strand): 5'-CCCCGCCCTGCCTCCCAGCAACGCGGAGCGAGAGGGAACCCACACGCCCACCTGCTCAGG[TAGA>T]AGGAGAAGATGTTCTGGTCCACCAGCTTCTGCTGCATCAGGTTGTCGAAGACGGGCAGCA-3'

ClinVar aggregate classification (germline): Uncertain significance (1 of 4 stars; one submission).

Conditions:
Neuronal ceroid lipofuscinosis. Also called: Neuronal Ceroid Lipofuscinoses. Identifiers: Orphanet 216, Orphanet 79263, MedGen C0027877, MONDO:0016295. Disease mechanism: loss of function.

Submission:

Labcorp Genetics (formerly Invitae), Labcorp
Classification: Uncertain significance for Neuronal ceroid lipofuscinosis. Last evaluated: 2023-07-10. Review status: criteria provided, single submitter. Criteria: Invitae Variant Classification Sherloc (09022015). Collection method: clinical testing. Allele origin: germline.
Comment: This variant, c.692_694del, results in the deletion of 1 amino acid(s) of the CTSD protein (p.Phe231del), but otherwise preserves the integrity of the reading frame. This variant is present in population databases (no rsID available, gnomAD 0.003%). This variant has not been reported in the literature in individuals affected with CTSD-related conditions. ClinVar contains an entry for this variant (Variation ID: 1518691). Experimental studies and prediction algorithms are not available or were not evaluated, and the functional significance of this variant is currently unknown. In summary, the available evidence is currently insufficient to determine the role of this variant in disease. Therefore, it has been classified as a Variant of Uncertain Significance.